The following is an entry in ClinVar:

ClinVar aggregate classification (germline): Pathogenic/Likely pathogenic. Review status: criteria provided, multiple submitters, no conflicts (2 of 4 stars). 4 submissions from 4 submitters: Pathogenic (2); Likely pathogenic (2). Last evaluated 2024-08-02.

Conditions:
Joubert syndrome. Also called: Familial aplasia of the vermis; JOUBERT-BOLTSHAUSER SYNDROME. Identifiers: Orphanet 475, MedGen C5979921, MONDO:0018772.
Joubert syndrome and related disorders. Identifiers: Orphanet 140874, MedGen C5679612, MONDO:0015369.
Joubert syndrome 3 (JBTS3). Also called: AHI1-related Ciliopathy. Identifiers: Orphanet 220493, MedGen C1837713, MONDO:0012078, OMIM 608629.

Allele frequency attached by ClinVar (database versions not stated): gnomAD 0.00001; ExAC 0.00003; 1000 Genomes Project 0.00020; 1000 Genomes Project 30x 0.00031.
gnomAD v4.1: 9 of 1,503,306 alleles (0.0006%); highest among the groups gnomAD compares: South Asian, 0.0048%; no homozygotes.

Submissions (4):

Women's Health and Genetics/Laboratory Corporation of America, LabCorp
Classification: Likely pathogenic for Joubert syndrome and related disorders. Last evaluated: 2024-08-02. Review status: criteria provided, single submitter. Criteria: LabCorp Variant Classification Summary - May 2015. Collection method: clinical testing. Allele origin: germline.
Comment: Variant summary: AHI1 c.2492+1G>A is located in a canonical splice-site and is predicted to affect mRNA splicing resulting in a significantly altered protein due to either exon skipping, shortening, or inclusion of intronic material. Variants that disrupt the consensus splice site are a relatively common cause of aberrant splicing and loss of AHI1 function. Several computational tools predict a significant impact on normal splicing: Three predict the variant abolishes a 5' splicing donor site. However, these predictions have yet to be confirmed by functional studies. The variant allele was found at a frequency of 9.9e-06 in 202156 control chromosomes. c.2492+1G>A has been reported in the literature in individuals affected with Joubert Syndrome And Related Disorders (Romero_2022). These data do not allow any conclusion about variant significance. To our knowledge, no experimental evidence demonstrating an impact on protein function has been reported. The following publication have been ascertained in the context of this evaluation (PMID: 35087072). ClinVar contains an entry for this variant (Variation ID: 661866). Based on the evidence outlined above, the variant was classified as likely pathogenic.

Fulgent Genetics
Classification: Likely pathogenic for Joubert syndrome 3. Last evaluated: 2024-06-07. Review status: criteria provided, single submitter. Criteria: ACMG Guidelines, 2015. Collection method: clinical testing. Allele origin: germline.

Labcorp Genetics (formerly Invitae), Labcorp
Classification: Pathogenic for Joubert syndrome. Last evaluated: 2023-08-04. Review status: criteria provided, single submitter. Criteria: Invitae Variant Classification Sherloc (09022015). Collection method: clinical testing. Allele origin: germline.
Comment: For these reasons, this variant has been classified as Pathogenic. Algorithms developed to predict the effect of sequence changes on RNA splicing suggest that this variant may disrupt the consensus splice site. ClinVar contains an entry for this variant (Variation ID: 661866). Disruption of this splice site has been observed in individual(s) with features of Joubert syndrome (Invitae). This variant is present in population databases (rs187245292, gnomAD 0.008%). This sequence change affects a donor splice site in intron 17 of the AHI1 gene. It is expected to disrupt RNA splicing. Variants that disrupt the donor or acceptor splice site typically lead to a loss of protein function (PMID: 16199547), and loss-of-function variants in AHI1 are known to be pathogenic (PMID: 15322546, 16453322, 28442542, 29186038).

CeGaT Center for Human Genetics Tuebingen
Classification: Pathogenic. Last evaluated: 2022-08-01. Review status: criteria provided, single submitter. Criteria: CeGaT Center For Human Genetics Tuebingen Variant Classification Criteria Version 2. Collection method: clinical testing. Allele origin: germline. Affected: yes. Observed: 4 variant alleles.

Literature cited by the submitters: PubMed 35087072 (cited by Women's Health and Genetics/Laboratory Corporation of America, LabCorp); PubMed 16199547 (cited by Labcorp Genetics (formerly Invitae), Labcorp); PubMed 15322546 (cited by Labcorp Genetics (formerly Invitae), Labcorp); PubMed 16453322 (cited by Labcorp Genetics (formerly Invitae), Labcorp); PubMed 28442542 (cited by Labcorp Genetics (formerly Invitae), Labcorp); PubMed 29186038 (cited by Labcorp Genetics (formerly Invitae), Labcorp).

NM_001134831.2(AHI1):c.2492+1G>A

Gene: AHI1 (Abelson helper integration site 1; minus strand). Cytogenetic location: 6q23.3.
Variant type: single nucleotide variant.
Coding change: c.2492+1G>A on transcript NM_001134831.2 (MANE Select); the canonical splice donor site of the intron after coding-DNA position 2492, G replaced by A.
Molecular consequence: splice donor variant.
Genome position (GRCh38, 1-based): chr6:135,429,881, C>T on the plus strand (G>A on the coding strand, the complement: AHI1 is on the minus strand). VCF-style: chr6-135429881-C-T. GRCh37 (hg19) VCF-style: chr6-135751019-C-T.
Other names: c.2492+1G>A (NM_001134830.2, NM_001350503.2, NM_017651.5 and 2 more transcripts).
Identifiers: ClinVar variation 661866 (VCV000661866.48), dbSNP rs187245292, ClinGen allele CA4012367.